The following is an entry in ClinVar:

NM_000937.5(POLR2A):c.5432dup (p.Tyr1811Ter)

Gene: POLR2A (RNA polymerase II subunit A; plus strand). Cytogenetic location: 17p13.1.
Variant type: Duplication.
Coding change: c.5432dup on transcript NM_000937.5 (MANE Select); coding-DNA position 5432, one base duplicated (A; older notation c.5432dupA).
Protein change: p.Tyr1811Ter; replaces tyrosine 1811 with a stop codon.
Molecular consequence: nonsense.
Genome position (GRCh38, 1-based): chr17:7,513,696, A duplicated. VCF-style (leftmost placement, unchanged base first): chr17-7513695-T-TA. GRCh37 (hg19) VCF-style: chr17-7417014-T-TA.
Other names: short protein forms Y1811*.
Identifiers: ClinVar variation 1307271 (VCV001307271.2), dbSNP rs2150891231, ClinGen allele CA2573054568.

ClinVar aggregate classification (germline): Uncertain significance (1 of 4 stars; one submission).

Submission:

GeneDx
Classification: Uncertain significance. Last evaluated: 2019-08-04. Review status: criteria provided, single submitter. Criteria: GeneDx Variant Classification Process June 2021. Collection method: clinical testing. Allele origin: germline. Affected: yes.
Comment: Not observed in large population cohorts (Lek et al., 2016); Nonsense variant predicted to result in protein truncation, although loss-of-function variants have not been reported downstream of this position in the protein; Has not been previously published as pathogenic or benign to our knowledge; Variants in candidate genes are classified as variants of uncertain significance in accordance with ACMG guidelines (Richards et al., 2015)